The following is an entry in ClinVar:

NM_000760.4(CSF3R):c.524T>C (p.Leu175Pro)

Gene: CSF3R (colony stimulating factor 3 receptor; minus strand). Cytogenetic location: 1p34.3.
Variant type: single nucleotide variant.
Coding change: c.524T>C on transcript NM_000760.4 (MANE Select); coding-DNA position 524, T replaced by C.
Protein change: p.Leu175Pro; replaces leucine 175 with proline.
Molecular consequence: missense variant.
Genome position (GRCh38, 1-based): chr1:36,473,584, A>G on the plus strand (T>C on the coding strand, the complement: CSF3R is on the minus strand). VCF-style: chr1-36473584-A-G. GRCh37 (hg19) VCF-style: chr1-36939185-A-G.
Other names: c.524T>C, p.Leu175Pro (LRG_144t1, NM_156039.3, NM_172313.3); short protein forms L175P.
Identifiers: ClinVar variation 661492 (VCV000661492.9), dbSNP rs377102404, ClinGen allele CA769444.

ClinVar aggregate classification (germline): Conflicting classifications of pathogenicity. Review status: criteria provided, conflicting classifications (1 of 4 stars). 2 submissions from 2 submitters: Uncertain significance (1); Likely benign (1). Last evaluated 2025-07-02.

Conditions:
Autosomal recessive severe congenital neutropenia due to CSF3R deficiency. Also called: Neutropenia, severe congenital, 7, autosomal recessive. Identifiers: Orphanet 420702, MedGen C4310764, MONDO:0014865, OMIM 617014.
Inborn genetic diseases. Identifiers: MedGen C0950123, MeSH D030342.

Allele frequency attached by ClinVar (database versions not stated): gnomAD exomes below 0.00001 and 0.00003; ExAC 0.00002; ESP Exome Variant Server 0.00008; gnomAD 0.00010; TOPMed 0.00014.
gnomAD v4.1: 26 of 1,614,172 alleles (0.0016%); highest among the groups gnomAD compares: African/African-American, 0.023%; no homozygotes.

Submissions (2):

Labcorp Genetics (formerly Invitae), Labcorp
Classification: Uncertain significance for Autosomal recessive severe congenital neutropenia due to CSF3R deficiency. Last evaluated: 2025-07-02. Review status: criteria provided, single submitter. Criteria: Invitae Variant Classification Sherloc (09022015). Collection method: clinical testing. Allele origin: germline.
Comment: This sequence change replaces leucine, which is neutral and non-polar, with proline, which is neutral and non-polar, at codon 175 of the CSF3R protein (p.Leu175Pro). This variant is present in population databases (rs377102404, gnomAD 0.04%). This variant has not been reported in the literature in individuals affected with CSF3R-related conditions. ClinVar contains an entry for this variant (Variation ID: 661492). Invitae Evidence Modeling of protein sequence and biophysical properties (such as structural, functional, and spatial information, amino acid conservation, physicochemical variation, residue mobility, and thermodynamic stability) indicates that this missense variant is not expected to disrupt CSF3R protein function with a negative predictive value of 80%. In summary, the available evidence is currently insufficient to determine the role of this variant in disease. Therefore, it has been classified as a Variant of Uncertain Significance.

Ambry Genetics
Classification: Likely benign for Inborn genetic diseases. Last evaluated: 2025-01-29. Review status: criteria provided, single submitter. Criteria: Ambry Variant Classification Scheme 2023. Collection method: clinical testing. Allele origin: germline.